The following is an entry in ClinVar:

NM_033028.5(BBS4):c.24+1G>A

Gene: BBS4 (Bardet-Biedl syndrome 4; plus strand). Cytogenetic location: 15q24.1.
Variant type: single nucleotide variant.
Coding change: c.24+1G>A on transcript NM_033028.5 (MANE Select); the canonical splice donor site of the intron after coding-DNA position 24, G replaced by A.
Molecular consequence: splice donor variant. On other transcripts: non-coding transcript variant (1).
Genome position (GRCh38, 1-based): chr15:72,686,252, G>A. VCF-style: chr15-72686252-G-A. GRCh37 (hg19) VCF-style: chr15-72978593-G-A.
Other names: c.24+1G>A (NM_001320665.2); c.-446+1G>A (NM_001252678.2).
Identifiers: ClinVar variation 1504738 (VCV001504738.9), dbSNP rs759520211, ClinGen allele CA7646420.

ClinVar aggregate classification (germline): Likely pathogenic. Review status: criteria provided, multiple submitters, no conflicts (2 of 4 stars). 3 submissions from 3 submitters: Likely pathogenic (3). Last evaluated 2025-06-12.

Conditions:
BBS4-related disorder. Also called: BBS4-related condition.
Bardet-Biedl syndrome 4 (BBS4). Identifiers: Orphanet 110, MedGen C2936864, MONDO:0014433, OMIM 615982.
Bardet-Biedl syndrome (BBS). Identifiers: Orphanet 110, MedGen C0752166, MONDO:0015229.

Allele frequency attached by ClinVar (database versions not stated): TOPMed 0.00001; ExAC 0.00004.
gnomAD v4.1: 3 of 1,565,592 alleles (0.00019%); highest among the groups gnomAD compares: Admixed American, 0.0038%; no homozygotes.

Submissions (3):

Labcorp Genetics (formerly Invitae), Labcorp
Classification: Likely pathogenic for Bardet-Biedl syndrome. Last evaluated: 2025-06-12. Review status: criteria provided, single submitter. Criteria: Invitae Variant Classification Sherloc (09022015). Collection method: clinical testing. Allele origin: germline.
Comment: This sequence change affects a donor splice site in intron 1 of the BBS4 gene. It is expected to disrupt RNA splicing. Variants that disrupt the donor or acceptor splice site typically lead to a loss of protein function (PMID: 16199547), and loss-of-function variants in BBS4 are known to be pathogenic (PMID: 11381270, 12016587, 20177705, 26355662, 27894351). The frequency data for this variant in the population databases is considered unreliable, as metrics indicate poor data quality at this position in the gnomAD database. Disruption of this splice site has been observed in individual(s) with clinical features of retinitis pigmentosa (internal data). ClinVar contains an entry for this variant (Variation ID: 1504738). Algorithms developed to predict the effect of sequence changes on RNA splicing suggest that this variant may disrupt the consensus splice site. In summary, the currently available evidence indicates that the variant is pathogenic, but additional data are needed to prove that conclusively. Therefore, this variant has been classified as Likely Pathogenic.

Baylor Genetics
Classification: Likely pathogenic for Bardet-Biedl syndrome 4. Last evaluated: 2024-03-23. Review status: criteria provided, single submitter. Criteria: ACMG Guidelines, 2015. Collection method: clinical testing. Allele origin: unknown.

Blueprint Genetics
Classification: Likely pathogenic for BBS4-related disorders. Last evaluated: 2019-12-31. Review status: criteria provided, single submitter. Criteria: ACMG Guidelines, 2015. Collection method: clinical testing. Allele origin: germline. Affected: yes. Observed: 1 variant allele.

Literature cited by the submitters: PubMed 16199547 (cited by Labcorp Genetics (formerly Invitae), Labcorp); PubMed 11381270 (cited by Labcorp Genetics (formerly Invitae), Labcorp); PubMed 12016587 (cited by Labcorp Genetics (formerly Invitae), Labcorp); PubMed 20177705 (cited by Labcorp Genetics (formerly Invitae), Labcorp); PubMed 26355662 (cited by Labcorp Genetics (formerly Invitae), Labcorp); PubMed 27894351 (cited by Labcorp Genetics (formerly Invitae), Labcorp).